The following is an entry in ClinVar:

ClinVar aggregate classification (germline): Conflicting classifications of pathogenicity. Review status: criteria provided, conflicting classifications (1 of 4 stars). 2 submissions from 2 submitters: Uncertain significance (1); Likely benign (1). Last evaluated 2024-07-24.

Conditions:
Dilated cardiomyopathy 1J (CMD1J). Also called: CARDIOMYOPATHY, DILATED, WITH SENSORINEURAL HEARING LOSS, AUTOSOMAL DOMINANT. Identifiers: Orphanet 217622, MedGen C1854368, MONDO:0011541, OMIM 605362.

Allele frequency attached by ClinVar (database versions not stated): gnomAD exomes below 0.00001; TOPMed below 0.00001; gnomAD 0.00001.
gnomAD v4.1: 2 of 1,614,004 alleles (0.00012%); highest among the groups gnomAD compares: Admixed American, 0.0033%; no homozygotes.

Submissions (2):

Labcorp Genetics (formerly Invitae), Labcorp
Classification: Likely benign for Dilated cardiomyopathy 1J. Last evaluated: 2024-07-24. Review status: criteria provided, single submitter. Criteria: Invitae Variant Classification Sherloc (09022015). Collection method: clinical testing. Allele origin: germline.

GeneDx
Classification: Uncertain significance. Last evaluated: 2023-12-14. Review status: criteria provided, single submitter. Criteria: GeneDx Variant Classification Process June 2021. Collection method: clinical testing. Allele origin: germline. Affected: yes.
Comment: Not observed at significant frequency in large population cohorts (gnomAD); In silico analysis supports that this variant does not alter splicing; Has not been previously published as pathogenic or benign to our knowledge

NM_004100.5(EYA4):c.1404A>G (p.Pro468=)

Genes: EYA4 (EYA transcriptional coactivator and phosphatase 4; plus strand), TARID (TCF21 antisense RNA inducing promoter demethylation; minus strand). Cytogenetic location: 6q23.2.
Variant type: single nucleotide variant.
Coding change: c.1404A>G on transcript NM_004100.5 (MANE Select); coding-DNA position 1404, A replaced by G.
Protein change: p.Pro468=; no amino-acid change (proline 468 retained).
Molecular consequence: synonymous variant.
Genome position (GRCh38, 1-based): chr6:133,512,941, A>G. VCF-style: chr6-133512941-A-G. GRCh37 (hg19) VCF-style: chr6-133834079-A-G.
Other names: c.1242A>G, p.Pro414= (NM_001301012.2); c.1422A>G, p.Pro474= (NM_001301013.2); c.1335A>G, p.Pro445= (NM_001370458.1, NM_172103.4); c.1260A>G, p.Pro420= (NM_001370459.1); c.1404A>G, p.Pro468= (NM_172105.4).
Identifiers: ClinVar variation 2572689 (VCV002572689.5), dbSNP rs1458242393, ClinGen allele CA452428813.